The following is an entry in ClinVar:

ClinVar aggregate classification (germline): Uncertain significance. Review status: criteria provided, multiple submitters, no conflicts (2 of 4 stars). 2 submissions from 2 submitters: Uncertain significance (2). Last evaluated 2026-04-07.

Conditions:
Hereditary spastic paraplegia 7 (SPG7). Also called: Autosomal recessive spastic paraplegia type 7; Spastic paraplegia 7; Hereditary spastic paraplegia Paraplegin type; SPASTIC PARAPLEGIA 7, AUTOSOMAL RECESSIVE, WITH OR WITHOUT CEREBELLAR ATAXIA; SPG7-related neurologic disorder. Identifiers: Orphanet 99013, MedGen C1846564, MONDO:0011803, OMIM 607259.

gnomAD v4.1: 37 of 1,613,970 alleles (0.0023%); highest among the groups gnomAD compares: Non-Finnish European, 0.0028%; no homozygotes.

Submissions (2):

GeneDx
Classification: Uncertain significance. Last evaluated: 2026-04-07. Review status: criteria provided, single submitter. Criteria: GeneDx Variant Classification Process June 2021. Collection method: clinical testing. Allele origin: germline.
Comment: Has not been previously published as pathogenic or benign to our knowledge; In silico analysis supports that this missense variant has a deleterious effect on protein structure/function; This variant is associated with the following publications: (PMID: 22571692)

Labcorp Genetics (formerly Invitae), Labcorp
Classification: Uncertain significance for Hereditary spastic paraplegia 7. Last evaluated: 2024-11-04. Review status: criteria provided, single submitter. Criteria: Invitae Variant Classification Sherloc (09022015). Collection method: clinical testing. Allele origin: germline.
Comment: This sequence change replaces phenylalanine, which is neutral and non-polar, with leucine, which is neutral and non-polar, at codon 617 of the SPG7 protein (p.Phe617Leu). This variant is present in population databases (rs375074544, gnomAD 0.007%). This variant has not been reported in the literature in individuals affected with SPG7-related conditions. Invitae Evidence Modeling of protein sequence and biophysical properties (such as structural, functional, and spatial information, amino acid conservation, physicochemical variation, residue mobility, and thermodynamic stability) indicates that this missense variant is not expected to disrupt SPG7 protein function with a negative predictive value of 80%. In summary, the available evidence is currently insufficient to determine the role of this variant in disease. Therefore, it has been classified as a Variant of Uncertain Significance.

NM_003119.4(SPG7):c.1851C>G (p.Phe617Leu)

Gene: SPG7 (SPG7 matrix AAA peptidase subunit, paraplegin; plus strand). Cytogenetic location: 16q24.3.
Variant type: single nucleotide variant.
Coding change: c.1851C>G on transcript NM_003119.4 (MANE Select); coding-DNA position 1851, C replaced by G.
Protein change: p.Phe617Leu; replaces phenylalanine 617 with leucine.
Molecular consequence: missense variant.
Genome position (GRCh38, 1-based): chr16:89,553,050, C>G. VCF-style: chr16-89553050-C-G. GRCh37 (hg19) VCF-style: chr16-89619458-C-G.
Other names: c.1851C>G (NM_003119.2); c.1851C>G, p.Phe617Leu (NM_001363850.1); short protein forms F617L.
Identifiers: ClinVar variation 3626963 (VCV003626963.4).